The following is an entry in ClinVar:

NM_017636.4(TRPM4):c.371G>C (p.Gly124Ala)

Gene: TRPM4 (transient receptor potential cation channel subfamily M member 4; plus strand). Cytogenetic location: 19q13.33.
Variant type: single nucleotide variant.
Coding change: c.371G>C on transcript NM_017636.4 (MANE Select); coding-DNA position 371, G replaced by C.
Protein change: p.Gly124Ala; replaces glycine 124 with alanine.
Molecular consequence: missense variant. On other transcripts: intron variant (4).
Genome position (GRCh38, 1-based): chr19:49,168,020, G>C. VCF-style: chr19-49168020-G-C. GRCh37 (hg19) VCF-style: chr19-49671277-G-C.
Other names: c.371G>C (NM_017636.3); c.-1105-240G>C (NM_001321282.2); c.268-533G>C (NM_001321281.2); c.-74-240G>C (NM_001321283.2); c.-237-533G>C (NM_001321285.2); c.371G>C, p.Gly124Ala (NM_001195227.2); short protein forms G124A.
Identifiers: ClinVar variation 2057025 (VCV002057025.4), dbSNP rs998729534, ClinGen allele CA309430781.

ClinVar aggregate classification (germline): Uncertain significance. Review status: criteria provided, multiple submitters, no conflicts (2 of 4 stars). 2 submissions from 2 submitters: Uncertain significance (2). Last evaluated 2026-04-29.

Conditions:
Cardiovascular phenotype. Identifiers: MedGen CN230736.
Progressive familial heart block type IB (PFHB1B). Identifiers: Orphanet 871, MedGen C1970298, MONDO:0011474, OMIM 604559.

gnomAD v4.1: 8 of 1,613,492 alleles (0.0005%); highest among the groups gnomAD compares: Admixed American, 0.0033%; no homozygotes.

Submissions (2):

Ambry Genetics
Classification: Uncertain significance for Cardiovascular phenotype. Last evaluated: 2026-04-29. Review status: criteria provided, single submitter. Criteria: Ambry Variant Classification Scheme 2023. Collection method: clinical testing. Allele origin: germline.
Comment: The p.G124A variant (also known as c.371G>C), located in coding exon 4 of the TRPM4 gene, results from a G to C substitution at nucleotide position 371. The glycine at codon 124 is replaced by alanine, an amino acid with similar properties. This amino acid position is highly conserved in available vertebrate species. In addition, this alteration is predicted to be tolerated by in silico analysis. Based on the available evidence, the clinical significance of this variant remains unclear.

Labcorp Genetics (formerly Invitae), Labcorp
Classification: Uncertain significance for Progressive familial heart block type IB. Last evaluated: 2024-05-15. Review status: criteria provided, single submitter. Criteria: Invitae Variant Classification Sherloc (09022015). Collection method: clinical testing. Allele origin: germline.
Comment: This sequence change replaces glycine, which is neutral and non-polar, with alanine, which is neutral and non-polar, at codon 124 of the TRPM4 protein (p.Gly124Ala). This variant is not present in population databases (gnomAD no frequency). This variant has not been reported in the literature in individuals affected with TRPM4-related conditions. ClinVar contains an entry for this variant (Variation ID: 2057025). An algorithm developed to predict the effect of missense changes on protein structure and function (PolyPhen-2) suggests that this variant is likely to be disruptive. In summary, the available evidence is currently insufficient to determine the role of this variant in disease. Therefore, it has been classified as a Variant of Uncertain Significance.